The following is an entry in ClinVar:

NM_020247.5(COQ8A):c.280_284del (p.Ser95fs)

Gene: COQ8A (coenzyme Q8A; plus strand). Cytogenetic location: 1q42.13.
Variant type: Deletion.
Coding change: c.280_284del on transcript NM_020247.5 (MANE Select); coding-DNA positions 280 to 284, 5 bases deleted (TCTTC; older notation c.280_284delTCTTC).
Protein change: p.Ser95fs; shifts the reading frame from serine 95.
Molecular consequence: frameshift variant.
Genome position (GRCh38, 1-based): chr1:226,965,102-226,965,106, TCTTC deleted; deleting any 5 consecutive bases within chr1:226,965,098-226,965,106 gives the same sequence; the c. name uses the placement nearest the transcript's 3' end. VCF-style (leftmost placement, unchanged base first): chr1-226965097-ACTTCT-A. GRCh37 (hg19) VCF-style: chr1-227152798-ACTTCT-A.
Other names: short protein forms S95fs.
Identifiers: ClinVar variation 930030 (VCV000930030.4), dbSNP rs1658479678, ClinGen allele CA1139656615.

ClinVar aggregate classification (germline): Likely pathogenic (1 of 4 stars; one submission).

Conditions:
Coenzyme Q10 deficiency, primary, 1. Also called: UBIQUINONE DEFICIENCY 1; COENZYME Q DEFICIENCY 1; CoQ DEFICIENCY 1. Identifiers: Orphanet 255249, MedGen C3551954, MONDO:0011829, OMIM 607426.

Submission:

Laboratory for Molecular Medicine, Mass General Brigham Personalized Medicine
Classification: Likely pathogenic for Coenzyme Q10 deficiency, primary, 1. Last evaluated: 2020-03-31. Review status: criteria provided, single submitter. Criteria: LMM Criteria. Collection method: clinical testing. Allele origin: germline. Inheritance: Autosomal recessive inheritance. Observed: 2 variant alleles.
Comment: The p.Ser95LeufsX30 variant in COQ8A (previously called ADCK3) has not been reported in individuals with Primary coenzyme Q10 deficiency and was absent from large population studies. This variant is predicted to cause a frameshift, which alters the proteinâ€™s amino acid sequence beginning at position 95 and leads to a premature termination codon 30 amino acids downstream. This alteration is then predicted to lead to a truncated or absent protein. Loss of function of the COQ8A gene is an established disease mechanism in autosomal recessive Primary coenzyme Q10 deficiency. In summary, this variant meets criteria to be classified as likely pathogenic for autosomal recessive Primary coenzyme Q10 deficiency. ACMG/AMP Criteria applied: PM2, PVS1.